The following is an entry in ClinVar:

ClinVar aggregate classification (germline): Conflicting classifications of pathogenicity. Review status: criteria provided, conflicting classifications (1 of 4 stars). 4 submissions from 4 submitters: Uncertain significance (1); Likely benign (3). Last evaluated 2026-08-01.

Conditions:
PLEC-related disorder. Also called: PLEC-related condition; PLEC-related disorders.
Epidermolysis bullosa simplex 5B, with muscular dystrophy (EBS5B). Also called: Epidermolysis bullosa simplex with muscular dystrophy; EPIDERMOLYSIS BULLOSA SIMPLEX AND LIMB-GIRDLE MUSCULAR DYSTROPHY. Identifiers: Orphanet 257, MedGen C2931072, MONDO:0009181, OMIM 226670.
Epidermolysis bullosa simplex with nail dystrophy (EBS5D). Identifiers: MedGen C4225309, MONDO:0014661, OMIM 616487.
Autosomal recessive limb-girdle muscular dystrophy type 2Q (LGMDR17). Also called: MUSCULAR DYSTROPHY, LIMB-GIRDLE, AUTOSOMAL RECESSIVE 17. Identifiers: Orphanet 254361, MedGen C3150989, MONDO:0013390, OMIM 613723.
Epidermolysis bullosa simplex 5C, with pyloric atresia (EBS5C). Also called: PLEC-Related Epidermolysis Bullosa with Pyloric Atresia; PLEC1-Related Epidermolysis Bullosa with Pyloric Atresia; Epidermolysis bullosa simplex with pyloric atresia. Identifiers: Orphanet 158684, MedGen C2677349, MONDO:0012807, OMIM 612138.
Epidermolysis bullosa simplex, Ogna type (EBS5A). Also called: Pidermolysis bullosa simplex 5A, Ogna type; EPIDERMOLYSIS BULLOSA SIMPLEX 5A, OGNA TYPE. Identifiers: Orphanet 79401, MedGen C0432317, MONDO:0007555, OMIM 131950.

Allele frequency attached by ClinVar (database versions not stated): gnomAD exomes 0.00002 and 0.00013; TOPMed 0.00008; gnomAD 0.00009; ExAC 0.00015.
gnomAD v4.1: 49 of 1,588,544 alleles (0.0031%); highest among the groups gnomAD compares: Admixed American, 0.067%; no homozygotes.

Submissions (5):

CeGaT Center for Human Genetics Tuebingen
Classification: Likely benign. Last evaluated: 2026-08-01. Review status: criteria provided, single submitter. Criteria: CeGaT Center For Human Genetics Tuebingen Variant Classification Criteria Version 2. Collection method: clinical testing. Allele origin: germline. Affected: yes. Observed: 1 variant allele.
Comment: PLEC: BP4, BP7

PreventionGenetics, part of Exact Sciences
Classification: Likely benign for PLEC-related condition. Last evaluated: 2026-05-11. Review status: criteria provided, single submitter. Criteria: ACMG Guidelines, 2015. Collection method: clinical testing. Allele origin: germline.
Comment: This variant is classified as likely benign based on ACMG/AMP sequence variant interpretation guidelines (Richards et al. 2015 PMID: 25741868, with internal and published modifications).

Labcorp Genetics (formerly Invitae), Labcorp
Classification: Likely benign for Autosomal recessive limb-girdle muscular dystrophy type 2Q; Epidermolysis bullosa simplex, Ogna type; Epidermolysis bullosa simplex with nail dystrophy; Epidermolysis bullosa simplex 5C, with pyloric atresia; Epidermolysis bullosa simplex 5B, with muscular dystrophy. Last evaluated: 2025-10-18. Review status: criteria provided, single submitter. Criteria: Invitae Variant Classification Sherloc (09022015). Collection method: clinical testing. Allele origin: germline.

Eurofins Ntd Llc (ga)
Classification: Uncertain significance. Last evaluated: 2014-11-14. Review status: criteria provided, single submitter. Criteria: EGL Classification Definitions 2015. Collection method: clinical testing. Allele origin: germline. Observed: 1 variant allele, 1 heterozygote.

Dr. Peter K. Rogan Lab, Western University
No classification provided (evidence only). Condition: Lung cancer. Review status: no classification provided. Collection method: in vitro. Allele origin: not applicable. Functional consequence: skipped exon, retained intron. Not counted in ClinVar's aggregate classification.

NM_201384.3(PLEC):c.6303G>A (p.Glu2101=)

Gene: PLEC (plectin; minus strand). Cytogenetic location: 8q24.3.
Variant type: single nucleotide variant.
Coding change: c.6303G>A on transcript NM_201384.3 (MANE Select); coding-DNA position 6303, G replaced by A.
Protein change: p.Glu2101=; no amino-acid change (glutamic acid 2101 retained).
Molecular consequence: synonymous variant.
Genome position (GRCh38, 1-based): chr8:143,923,626, C>T on the plus strand (G>A on the coding strand, the complement: PLEC is on the minus strand). VCF-style: chr8-143923626-C-T. GRCh37 (hg19) VCF-style: chr8-144997794-C-T.
Other names: c.6384G>A, p.Glu2128= (NM_000445.5); c.6261G>A, p.Glu2087= (NM_201378.4); c.6237G>A, p.Glu2079= (NM_201379.3); c.6714G>A, p.Glu2238= (NM_201380.4); c.6207G>A, p.Glu2069= (NM_201381.3); c.6303G>A, p.Glu2101= (NM_201382.4); c.6315G>A, p.Glu2105= (NM_201383.3).
Identifiers: ClinVar variation 196745 (VCV000196745.16), dbSNP rs781833947, ClinGen allele CA243939.